The following is an entry in ClinVar:

ClinVar aggregate classification (germline): Pathogenic. Review status: criteria provided, single submitter (1 of 4 stars). 2 submissions from 2 submitters: Pathogenic (1). 1 of the submissions does not count toward it. Last evaluated 2024-01-09.

Conditions:
Neurodevelopmental disorder with hypotonia and variable intellectual and behavioral abnormalities. Identifiers: MedGen C5231423, MONDO:0032829, OMIM 618603.

Submissions (2):

GeneDx
Classification: Pathogenic. Last evaluated: 2024-01-09. Review status: criteria provided, single submitter. Criteria: GeneDx Variant Classification Process June 2021. Collection method: clinical testing. Allele origin: germline. Affected: yes.
Comment: Not observed at significant frequency in large population cohorts (gnomAD); Published functional studies suggest a damaging effect with this variant resulting in aberrant growth in an in vitro study (PMID: 31353023); In silico analysis supports that this missense variant has a deleterious effect on protein structure/function; Reported in patients with POLR2A-related neurodevelopmental disorder with multiple anomalies in the published literature (PMID: 31353023, 35461703); This variant is associated with the following publications: (PMID: 35461703, 31353023, 35328024)

OMIM
Classification: Pathogenic for NEURODEVELOPMENTAL DISORDER WITH HYPOTONIA AND VARIABLE INTELLECTUAL AND BEHAVIORAL ABNORMALITIES. Last evaluated: 2019-09-27. Review status: no assertion criteria provided. Collection method: literature only. Allele origin: germline. Not counted in ClinVar's aggregate classification.

Literature cited by the submitters: PubMed 31353023 (cited by OMIM).

NM_000937.5(POLR2A):c.1370T>C (p.Ile457Thr)

Gene: POLR2A (RNA polymerase II subunit A; plus strand). Cytogenetic location: 17p13.1.
Variant type: single nucleotide variant.
Coding change: c.1370T>C on transcript NM_000937.5 (MANE Select); coding-DNA position 1370, T replaced by C.
Protein change: p.Ile457Thr; replaces isoleucine 457 with threonine.
Molecular consequence: missense variant.
Genome position (GRCh38, 1-based): chr17:7,499,073, T>C. VCF-style: chr17-7499073-T-C. GRCh37 (hg19) VCF-style: chr17-7402392-T-C.
Other names: short protein forms I457T.
Identifiers: ClinVar variation 691497 (VCV000691497.4), dbSNP rs1597796823, ClinGen allele CA397874564.
Genomic context (GRCh38, chr17:7,499,073, plus strand): 5'-ACCTTTTCCTTACCTCACCTCTCTAGGTGGAACGGCACATGTGTGATGGGGACATTGTTA[T>C]CTTCAACCGGCAGCCAACTCTGCACAAAATGTCCATGATGGGGCATCGGGTCCGCATTCT-3'
Protein context (NP_000928.1, residues 447-467): ERHMCDGDIV[Ile457Thr]FNRQPTLHKM